The following is an entry in ClinVar:

NM_013436.5(NCKAP1):c.638dup (p.Tyr214fs)

Gene: NCKAP1 (NCK associated protein 1; minus strand). Cytogenetic location: 2q32.1.
Variant type: Duplication.
Coding change: c.638dup on transcript NM_013436.5 (MANE Select); coding-DNA position 638, one base duplicated (T; older notation c.638dupT).
Protein change: p.Tyr214fs; shifts the reading frame from tyrosine 214.
Molecular consequence: frameshift variant.
Genome position (GRCh38, 1-based): chr2:182,995,804, A duplicated on the plus strand (T on the coding strand, the reverse complement: NCKAP1 is on the minus strand). VCF-style (leftmost placement, unchanged base first): chr2-182995803-T-TA. GRCh37 (hg19) VCF-style: chr2-183860531-T-TA.
Other names: c.656dup, p.Tyr220fs (NM_205842.3); short protein forms Y214fs, Y220fs.
Identifiers: ClinVar variation 1308613 (VCV001308613.2), dbSNP rs2105869037, ClinGen allele CA2573051813.

ClinVar aggregate classification (germline): Uncertain significance (1 of 4 stars; one submission).

Submission:

GeneDx
Classification: Uncertain significance. Last evaluated: 2019-04-02. Review status: criteria provided, single submitter. Criteria: GeneDx Variant Classification Process June 2021. Collection method: clinical testing. Allele origin: germline. Affected: yes.
Comment: Not observed in large population cohorts (Lek et al., 2016); Frameshift variant predicted to result in protein truncation or nonsense mediated decay in a gene for which loss-of-function is not a known mechanism of disease; Variants in candidate genes are classified as variants of uncertain significance in accordance with ACMG guidelines (Richards et al., 2015); This variant is associated with the following publications: (PMID: 33157009)